The following is an entry in ClinVar:

NM_016356.5(DCDC2):c.388C>T (p.Arg130Cys)

Gene: DCDC2 (doublecortin domain containing 2; minus strand). Cytogenetic location: 6p22.3.
Variant type: single nucleotide variant.
Coding change: c.388C>T on transcript NM_016356.5 (MANE Select); coding-DNA position 388, C replaced by T.
Protein change: p.Arg130Cys; replaces arginine 130 with cysteine.
Molecular consequence: missense variant.
Genome position (GRCh38, 1-based): chr6:24,302,005, G>A on the plus strand (C>T on the coding strand, the complement: DCDC2 is on the minus strand). VCF-style: chr6-24302005-G-A. GRCh37 (hg19) VCF-style: chr6-24302233-G-A.
Other names: c.388C>T, p.Arg130Cys (NM_001195610.2); short protein forms R130C.
Identifiers: ClinVar variation 1934544 (VCV001934544.5), dbSNP rs748123884, ClinGen allele CA3654785.

ClinVar aggregate classification (germline): Uncertain significance (1 of 4 stars; one submission).

Conditions:
Autosomal recessive nonsyndromic hearing loss 66 (DFNB66). Also called: Deafness, autosomal recessive 66. Identifiers: Orphanet 90636, MedGen C1857750, MONDO:0012442, OMIM 610212.
Isolated neonatal sclerosing cholangitis (NSC). Also called: Sclerosing cholangitis, neonatal. Identifiers: Orphanet 480556, MedGen C4479344, MONDO:0018816, OMIM 617394.

Allele frequency attached by ClinVar (database versions not stated): TOPMed below 0.00001; ExAC 0.00001; gnomAD 0.00002.

Submission:

Labcorp Genetics (formerly Invitae), Labcorp
Classification: Uncertain significance for Autosomal recessive nonsyndromic hearing loss 66; Isolated neonatal sclerosing cholangitis. Last evaluated: 2022-10-25. Review status: criteria provided, single submitter. Criteria: Invitae Variant Classification Sherloc (09022015). Collection method: clinical testing. Allele origin: germline.
Comment: In summary, the available evidence is currently insufficient to determine the role of this variant in disease. Therefore, it has been classified as a Variant of Uncertain Significance. Advanced modeling of protein sequence and biophysical properties (such as structural, functional, and spatial information, amino acid conservation, physicochemical variation, residue mobility, and thermodynamic stability) performed at Invitae indicates that this missense variant is expected to disrupt DCDC2 protein function. This variant has not been reported in the literature in individuals affected with DCDC2-related conditions. This variant is present in population databases (rs748123884, gnomAD 0.003%). This sequence change replaces arginine, which is basic and polar, with cysteine, which is neutral and slightly polar, at codon 130 of the DCDC2 protein (p.Arg130Cys).